The following is an entry in ClinVar:

ClinVar aggregate classification (germline): Uncertain significance. Review status: criteria provided, multiple submitters, no conflicts (2 of 4 stars). 2 submissions from 2 submitters: Uncertain significance (2). Last evaluated 2025-09-10.

Allele frequency attached by ClinVar (database versions not stated): gnomAD 0.00003 and 0.00004; TOPMed 0.00006; ExAC 0.00007; ESP Exome Variant Server 0.00008; 1000 Genomes Project 0.00020; 1000 Genomes Project 30x 0.00031.
gnomAD v4.1: 205 of 1,614,098 alleles (0.013%); highest among the groups gnomAD compares: Non-Finnish European, 0.017%; no homozygotes.

Submissions (2):

Labcorp Genetics (formerly Invitae), Labcorp
Classification: Uncertain significance. Last evaluated: 2025-09-10. Review status: criteria provided, single submitter. Criteria: Invitae Variant Classification Sherloc (09022015). Collection method: clinical testing. Allele origin: germline.
Comment: This sequence change replaces alanine, which is neutral and non-polar, with glycine, which is neutral and non-polar, at codon 331 of the RUNX2 protein (p.Ala331Gly). This variant is present in population databases (rs114554762, gnomAD 0.01%). This variant has not been reported in the literature in individuals affected with RUNX2-related conditions. ClinVar contains an entry for this variant (Variation ID: 1313950). Invitae Evidence Modeling of protein sequence and biophysical properties (such as structural, functional, and spatial information, amino acid conservation, physicochemical variation, residue mobility, and thermodynamic stability) indicates that this missense variant is not expected to disrupt RUNX2 protein function with a negative predictive value of 80%. In summary, the available evidence is currently insufficient to determine the role of this variant in disease. Therefore, it has been classified as a Variant of Uncertain Significance.

GeneDx
Classification: Uncertain significance. Last evaluated: 2024-05-13. Review status: criteria provided, single submitter. Criteria: GeneDx Variant Classification Process June 2021. Collection method: clinical testing. Allele origin: germline. Affected: yes.
Comment: In silico analysis indicates that this missense variant does not alter protein structure/function; Has not been previously published as pathogenic or benign to our knowledge

NM_001024630.4(RUNX2):c.992C>G (p.Ala331Gly)

Gene: RUNX2 (RUNX family transcription factor 2; plus strand). Cytogenetic location: 6p21.1.
Variant type: single nucleotide variant.
Coding change: c.992C>G on transcript NM_001024630.4 (MANE Select); coding-DNA position 992, C replaced by G.
Protein change: p.Ala331Gly; replaces alanine 331 with glycine.
Molecular consequence: missense variant.
Genome position (GRCh38, 1-based): chr6:45,512,378, C>G. VCF-style: chr6-45512378-C-G. GRCh37 (hg19) VCF-style: chr6-45480115-C-G.
Other names: c.992C>G, p.Ala331Gly (NM_001015051.4); c.950C>G, p.Ala317Gly (NM_001278478.2, NM_001369405.1); short protein forms A317G, A331G.
Identifiers: ClinVar variation 1313950 (VCV001313950.4), dbSNP rs114554762, ClinGen allele CA3836542.